The following is an entry in ClinVar:

NM_000165.5(GJA1):c.365A>G (p.Asn122Ser)

Gene: GJA1 (gap junction protein alpha 1; plus strand). Cytogenetic location: 6q22.31.
Variant type: single nucleotide variant.
Coding change: c.365A>G on transcript NM_000165.5 (MANE Select); coding-DNA position 365, A replaced by G.
Protein change: p.Asn122Ser; replaces asparagine 122 with serine.
Molecular consequence: missense variant.
Genome position (GRCh38, 1-based): chr6:121,447,212, A>G. VCF-style: chr6-121447212-A-G. GRCh37 (hg19) VCF-style: chr6-121768358-A-G.
Other names: short protein forms N122S.
Identifiers: ClinVar variation 651676 (VCV000651676.10), dbSNP rs769704488, ClinGen allele CA3981682.

ClinVar aggregate classification (germline): Uncertain significance (1 of 4 stars; one submission).

Conditions:
Oculodentodigital dysplasia, autosomal recessive. Also called: OCULODENTOOSSEOUS DYSPLASIA, AUTOSOMAL RECESSIVE; ODDD, AUTOSOMAL RECESSIVE; ODOD, AUTOSOMAL RECESSIVE. Identifiers: Orphanet 2710, MedGen C2749477, MONDO:0009768, OMIM 257850.

Allele frequency attached by ClinVar (database versions not stated): gnomAD 0.00003; TOPMed 0.00003.
gnomAD v4.1: 22 of 1,614,096 alleles (0.0014%); highest among the groups gnomAD compares: Middle Eastern, 0.016%; no homozygotes.

Submission:

Labcorp Genetics (formerly Invitae), Labcorp
Classification: Uncertain significance for Oculodentodigital dysplasia, autosomal recessive. Last evaluated: 2025-10-01. Review status: criteria provided, single submitter. Criteria: Invitae Variant Classification Sherloc (09022015). Collection method: clinical testing. Allele origin: germline.
Comment: This sequence change replaces asparagine, which is neutral and polar, with serine, which is neutral and polar, at codon 122 of the GJA1 protein (p.Asn122Ser). This variant is present in population databases (rs769704488, gnomAD 0.004%). This variant has not been reported in the literature in individuals affected with GJA1-related conditions. ClinVar contains an entry for this variant (Variation ID: 651676). Invitae Evidence Modeling of protein sequence and biophysical properties (such as structural, functional, and spatial information, amino acid conservation, physicochemical variation, residue mobility, and thermodynamic stability) indicates that this missense variant is not expected to disrupt GJA1 protein function with a negative predictive value of 95%. In summary, the available evidence is currently insufficient to determine the role of this variant in disease. Therefore, it has been classified as a Variant of Uncertain Significance.